The following is an entry in ClinVar:

NM_005984.5(SLC25A1):c.764A>G (p.Lys255Arg)

Gene: SLC25A1 (solute carrier family 25 member 1; minus strand). Cytogenetic location: 22q11.21.
Variant type: single nucleotide variant.
Coding change: c.764A>G on transcript NM_005984.5 (MANE Select); coding-DNA position 764, A replaced by G.
Protein change: p.Lys255Arg; replaces lysine 255 with arginine.
Molecular consequence: missense variant. On other transcripts: non-coding transcript variant (1).
Genome position (GRCh38, 1-based): chr22:19,176,478, T>C on the plus strand (A>G on the coding strand, the complement: SLC25A1 is on the minus strand). VCF-style: chr22-19176478-T-C. GRCh37 (hg19) VCF-style: chr22-19163991-T-C.
Other names: c.785A>G, p.Lys262Arg (NM_001256534.2); c.455A>G, p.Lys152Arg (NM_001287387.2); c.764A>G (NM_005984.2, NM_005984.4); short protein forms K255R, K262R, K152R.
Identifiers: ClinVar variation 809316 (VCV000809316.49), dbSNP rs113123350, ClinGen allele CA10097299.
Genomic context (GRCh38, chr22:19,176,478, plus strand): 5'-CACGCCTTGAGCCCCTCCTTCTTCAGGATCTGCAAGCCGCAGTCCCACGTGTTCCGGTAT[T>C]TGTGCGCCTCCAGGCCCTATGGGGGACATCAGCAGGCAGGGGCTCAGCAGCTAGCTCTGG-3'
Protein context (NP_005975.1, residues 245-265): KTRMQGLEAH[Lys255Arg]YRNTWDCGLQ

ClinVar aggregate classification (germline): Uncertain significance. Review status: criteria provided, multiple submitters, no conflicts (2 of 4 stars). 5 submissions from 5 submitters: Uncertain significance (4). 1 of the submissions does not count toward it. Last evaluated 2025-10-22.

Conditions:
Inborn genetic diseases. Identifiers: MedGen C0950123, MeSH D030342.
SLC25A1-related disorder. Also called: SLC25A1-related condition.

Allele frequency attached by ClinVar (database versions not stated): ESP Exome Variant Server 0.00008; TOPMed 0.00012; 1000 Genomes Project 0.00020; gnomAD exomes 0.00026 and 0.00034; gnomAD 0.00029; ExAC 0.00034; 1000 Genomes Project 30x 0.00047.
gnomAD v4.1: 426 of 1,613,872 alleles (0.026%); highest among the groups gnomAD compares: East Asian, 0.34%; 2 homozygotes.

Submissions (5):

Labcorp Genetics (formerly Invitae), Labcorp
Classification: Uncertain significance. Last evaluated: 2025-10-22. Review status: criteria provided, single submitter. Criteria: Invitae Variant Classification Sherloc (09022015). Collection method: clinical testing. Allele origin: germline.
Comment: This sequence change replaces lysine, which is basic and polar, with arginine, which is basic and polar, at codon 255 of the SLC25A1 protein (p.Lys255Arg). This variant is present in population databases (rs113123350, gnomAD 0.2%). This variant has not been reported in the literature in individuals affected with SLC25A1-related conditions. ClinVar contains an entry for this variant (Variation ID: 809316). Invitae Evidence Modeling of protein sequence and biophysical properties (such as structural, functional, and spatial information, amino acid conservation, physicochemical variation, residue mobility, and thermodynamic stability) indicates that this missense variant is not expected to disrupt SLC25A1 protein function with a negative predictive value of 80%. In summary, the available evidence is currently insufficient to determine the role of this variant in disease. Therefore, it has been classified as a Variant of Uncertain Significance.

Blueprint Genetics
Classification: Uncertain significance. Last evaluated: 2024-10-23. Review status: criteria provided, single submitter. Criteria: ACMG Guidelines, 2015. Collection method: clinical testing. Allele origin: germline.

Ambry Genetics
Classification: Uncertain significance for Inborn genetic diseases. Last evaluated: 2021-07-14. Review status: criteria provided, single submitter. Criteria: Ambry Variant Classification Scheme 2023. Collection method: clinical testing. Allele origin: germline.

CeGaT Center for Human Genetics Tuebingen
Classification: Uncertain significance. Last evaluated: 2019-02-01. Review status: criteria provided, single submitter. Criteria: CeGaT Center For Human Genetics Tuebingen Variant Classification Criteria Version 2. Collection method: clinical testing. Allele origin: germline. Affected: yes. Observed: 2 variant alleles.

PreventionGenetics, part of Exact Sciences
Classification: Likely benign for SLC25A1-related condition. Last evaluated: 2023-12-11. Review status: no assertion criteria provided. Collection method: clinical testing. Allele origin: germline. Not counted in ClinVar's aggregate classification.
Comment: This variant is classified as likely benign based on ACMG/AMP sequence variant interpretation guidelines (Richards et al. 2015 PMID: 25741868, with internal and published modifications).